The following is an entry in ClinVar:

NM_004320.6(ATP2A1):c.707G>A (p.Arg236Gln)

Gene: ATP2A1 (ATPase sarcoplasmic/endoplasmic reticulum Ca2+ transporting 1; plus strand). Cytogenetic location: 16p11.2.
Variant type: single nucleotide variant.
Coding change: c.707G>A on transcript NM_004320.6 (MANE Select); coding-DNA position 707, G replaced by A.
Protein change: p.Arg236Gln; replaces arginine 236 with glutamine.
Molecular consequence: missense variant.
Genome position (GRCh38, 1-based): chr16:28,887,501, G>A. VCF-style: chr16-28887501-G-A. GRCh37 (hg19) VCF-style: chr16-28898822-G-A.
Other names: c.332G>A, p.Arg111Gln (NM_001286075.2); c.707G>A, p.Arg236Gln (NM_173201.5); short protein forms R111Q, R236Q.
Identifiers: ClinVar variation 2042556 (VCV002042556.1), dbSNP rs142195151, ClinGen allele CA279232170.

ClinVar aggregate classification (germline): Uncertain significance (1 of 4 stars; one submission).

Conditions:
Brody myopathy. Also called: BRODY DISEASE. Identifiers: Orphanet 53347, MedGen C1832918, MONDO:0010977, OMIM 601003.

Allele frequency attached by ClinVar (database versions not stated): gnomAD 0.00002; TOPMed 0.00002; gnomAD exomes 0.00003; ESP Exome Variant Server 0.00008.

Submission:

Labcorp Genetics (formerly Invitae), Labcorp
Classification: Uncertain significance for Brody myopathy. Last evaluated: 2022-05-30. Review status: criteria provided, single submitter. Criteria: Invitae Variant Classification Sherloc (09022015). Collection method: clinical testing. Allele origin: germline.
Comment: This sequence change replaces arginine, which is basic and polar, with glutamine, which is neutral and polar, at codon 236 of the ATP2A1 protein (p.Arg236Gln). This variant is present in population databases (rs142195151, gnomAD 0.003%). This variant has not been reported in the literature in individuals affected with ATP2A1-related conditions. Algorithms developed to predict the effect of missense changes on protein structure and function are either unavailable or do not agree on the potential impact of this missense change (SIFT: "Deleterious"; PolyPhen-2: "Probably Damaging"; Align-GVGD: "Class C0"). In summary, the available evidence is currently insufficient to determine the role of this variant in disease. Therefore, it has been classified as a Variant of Uncertain Significance.